The following is an entry in ClinVar:

NM_007294.4(BRCA1):c.5467+6G>T

Gene: BRCA1 (BRCA1 DNA repair associated; minus strand). Cytogenetic location: 17q21.31.
Variant type: single nucleotide variant.
Coding change: c.5467+6G>T on transcript NM_007294.4 (MANE Select); 6 bases into the intron after coding-DNA position 5467, G replaced by T.
Molecular consequence: intron variant.
Genome position (GRCh38, 1-based): chr17:43,047,637, C>A on the plus strand (G>T on the coding strand, the complement: BRCA1 is on the minus strand). VCF-style: chr17-43047637-C-A. GRCh37 (hg19) VCF-style: chr17-41199654-C-A.
Other names: c.2014+6G>T (NM_001408458.1, NM_001408461.1, NM_001408464.1 and 7 more transcripts); c.4576+6G>T (NM_001407967.1); c.5086+6G>T (NM_001407959.1); c.5200+6G>T (NM_001407931.1, NM_001407932.1, NM_001407928.1 and 4 more transcripts); c.5323+6G>T (NM_001407747.1, NM_001407745.1, NM_001407737.1 and 18 more transcripts); c.5083+6G>T (NM_001407962.1, NM_001407960.1); c.1654+6G>T (NM_001408512.1); c.1777+6G>T (NM_001408510.1); and 83 more.
Identifiers: ClinVar variation 867539 (VCV000867539.3), dbSNP rs2050974173, ClinGen allele CA916080766.

Conditions:
Breast-ovarian cancer, familial, susceptibility to, 1 (BROVCA1). Also called: BRCA1 Hereditary Breast and Ovarian Cancer; OVARIAN CANCER, SUSCEPTIBILITY TO. Identifiers: Orphanet 145, MedGen C2676676, MONDO:0011450, OMIM 604370. Disease mechanism: loss of function.

Submission:

Brotman Baty Institute, University of Washington
No classification provided (evidence only). Condition: Breast-ovarian cancer, familial 1. Review status: no classification provided. Collection method: in vitro. Allele origin: not applicable. Functional consequence: functionally_normal.
ClinVar note: "not provided" was previously submitted as the classification for the variant. However, the classification appeared to be based only on an observation of functional data so it was converted to no classification on 2025-07-30.